The following is an entry in ClinVar:

NM_001365951.3(KIF1B):c.2115+6188A>G

Gene: KIF1B (kinesin family member 1B; plus strand). Cytogenetic location: 1p36.22.
Variant type: single nucleotide variant.
Coding change: c.2115+6188A>G on transcript NM_001365951.3 (MANE Select); 6188 bases into the intron after coding-DNA position 2115, A replaced by G.
Molecular consequence: intron variant. On other transcripts: missense variant (2).
Genome position (GRCh38, 1-based): chr1:10,303,434, A>G. VCF-style: chr1-10303434-A-G. GRCh37 (hg19) VCF-style: chr1-10363492-A-G.
Other names: c.2249A>G, p.Asn750Ser (NM_001365953.1, NM_183416.4); c.1977+6188A>G (NM_015074.3); c.2115+6188A>G (NM_001365952.1); short protein forms N750S.
Identifiers: ClinVar variation 4977188 (VCV004977188.1).

ClinVar aggregate classification (germline): Uncertain significance (1 of 4 stars; one submission).

Conditions:
KIF1B-related disorder. Also called: KIF1B-related condition.

gnomAD v4.1: 34 of 1,614,132 alleles (0.0021%); highest among the groups gnomAD compares: East Asian, 0.033%; no homozygotes.

Submission:

PreventionGenetics, part of Exact Sciences
Classification: Uncertain significance for KIF1B-related condition. Last evaluated: 2025-08-07. Review status: criteria provided, single submitter. Criteria: ACMG Guidelines, 2015. Collection method: clinical testing. Allele origin: germline.
Comment: The KIF1B c.2249A>G variant is predicted to result in the amino acid substitution p.Asn750Ser. This variant is also referred to as NM_015074.3:c.1977+6188A>G (Intronic). To our knowledge, this variant has not been reported in the literature. This variant is reported in 0.044% of alleles in individuals of East Asian descent in gnomAD. At the time of reporting this variant is absent in ClinVar. Although we suspect that this variant may be benign, the clinical significance of this variant is classified as uncertain at this time due to insufficient functional and genetic evidence.